The following is an entry in ClinVar:

NM_001326411.2(PISD):c.1192C>G (p.Gln398Glu)

Gene: PISD (phosphatidylserine decarboxylase; minus strand). Cytogenetic location: 22q12.2.
Variant type: single nucleotide variant.
Coding change: c.1192C>G on transcript NM_001326411.2 (MANE Select); coding-DNA position 1192, C replaced by G.
Protein change: p.Gln398Glu; replaces glutamine 398 with glutamic acid.
Molecular consequence: missense variant. On other transcripts: 3 prime UTR variant (1).
Genome position (GRCh38, 1-based): chr22:31,619,650, G>C on the plus strand (C>G on the coding strand, the complement: PISD is on the minus strand). VCF-style: chr22-31619650-G-C. GRCh37 (hg19) VCF-style: chr22-32015636-G-C.
Other names: c.1129C>G, p.Gln377Glu (NM_001326412.1, NM_001326413.2, NM_001326414.2); c.1090C>G, p.Gln364Glu (NM_001326415.2, NM_001326416.2, NM_001326417.2 and 2 more transcripts); c.1012C>G, p.Gln338Glu (NM_001326418.2); c.976C>G, p.Gln326Glu (NM_001326419.2); c.898C>G, p.Gln300Glu (NM_001326420.2); c.*140C>G (NM_001326421.1); short protein forms Q338E, Q398E, Q364E, Q326E, Q377E, Q300E.
Identifiers: ClinVar variation 1921224 (VCV001921224.5), dbSNP rs1663497424, ClinGen allele CA411284537.
Genomic context (GRCh38, chr22:31,619,650, plus strand): 5'-AGCCATAATCAGGAAAGAGACTCTAGAGCGAGCCCAGGGCTTCCCCAAAGCGGATTTTCT[G>C]TCCTGTTTTCAGCTGGAAATTGAAGTCCTTGGGGGCCTCGAAGATGAGCACGATGGTGGA-3'
Protein context (NP_001313340.1, residues 388-408): KDFNFQLKTG[Gln398Glu]KIRFGEALGS

ClinVar aggregate classification (germline): Uncertain significance (1 of 4 stars; one submission).

Submission:

Labcorp Genetics (formerly Invitae), Labcorp
Classification: Uncertain significance. Last evaluated: 2024-09-23. Review status: criteria provided, single submitter. Criteria: Invitae Variant Classification Sherloc (09022015). Collection method: clinical testing. Allele origin: germline.
Comment: This sequence change replaces glutamine, which is neutral and polar, with glutamic acid, which is acidic and polar, at codon 398 of the PISD protein (p.Gln398Glu). This variant is not present in population databases (gnomAD no frequency). This variant has not been reported in the literature in individuals affected with PISD-related conditions. ClinVar contains an entry for this variant (Variation ID: 1921224). Invitae Evidence Modeling of protein sequence and biophysical properties (such as structural, functional, and spatial information, amino acid conservation, physicochemical variation, residue mobility, and thermodynamic stability) indicates that this missense variant is not expected to disrupt PISD protein function with a negative predictive value of 80%. In summary, the available evidence is currently insufficient to determine the role of this variant in disease. Therefore, it has been classified as a Variant of Uncertain Significance.